The following is an entry in ClinVar:

NM_000428.3(LTBP2):c.2924G>A (p.Arg975His)

Gene: LTBP2 (latent transforming growth factor beta binding protein 2; minus strand). Cytogenetic location: 14q24.3.
Variant type: single nucleotide variant.
Coding change: c.2924G>A on transcript NM_000428.3 (MANE Select); coding-DNA position 2924, G replaced by A.
Protein change: p.Arg975His; replaces arginine 975 with histidine.
Molecular consequence: missense variant.
Genome position (GRCh38, 1-based): chr14:74,511,349, C>T on the plus strand (G>A on the coding strand, the complement: LTBP2 is on the minus strand). VCF-style: chr14-74511349-C-T. GRCh37 (hg19) VCF-style: chr14-74978052-C-T.
Other names: c.2924G>A (NM_000428.2); short protein forms R975H.
Identifiers: ClinVar variation 1592967 (VCV001592967.11), dbSNP rs141766242, ClinGen allele CA7269343.
Genomic context (GRCh38, chr14:74,511,349, plus strand): 5'-AGACAAGTGTAGGAGCCAGGGGAATTGACGCATCTCCCATCAGGGCAGGTACCGGGGTGA[C>T]GGCATTCGTTGATATCTGCAAAACAGCAGCCCCTCCCTTGGTCATCCCTGGGAACATAGC-3'
Protein context (NP_000419.1, residues 965-985): KGHCQDINEC[Arg975His]HPGTCPDGRC

ClinVar aggregate classification (germline): Conflicting classifications of pathogenicity. Review status: criteria provided, conflicting classifications (1 of 4 stars). 3 submissions from 3 submitters: Uncertain significance (1); Likely benign (1). 1 of the submissions does not count toward it. Last evaluated 2026-01-12.

Conditions:
LTBP2-related disorder. Also called: LTBP2-related disorders; LTBP2-related condition.
Inborn genetic diseases. Identifiers: MedGen C0950123, MeSH D030342.

Allele frequency attached by ClinVar (database versions not stated): gnomAD exomes 0.00010 and 0.00025; ExAC 0.00030; 1000 Genomes Project 30x 0.00062; 1000 Genomes Project 0.00080; gnomAD 0.00082 and 0.00088; TOPMed 0.00082; ESP Exome Variant Server 0.00108.
gnomAD v4.1: 280 of 1,614,034 alleles (0.017%); highest among the groups gnomAD compares: African/African-American, 0.29%; 1 homozygote.

Submissions (3):

Labcorp Genetics (formerly Invitae), Labcorp
Classification: Likely benign. Last evaluated: 2026-01-12. Review status: criteria provided, single submitter. Criteria: Invitae Variant Classification Sherloc (09022015). Collection method: clinical testing. Allele origin: germline.

Ambry Genetics
Classification: Uncertain significance for Inborn genetic diseases. Last evaluated: 2025-05-19. Review status: criteria provided, single submitter. Criteria: Ambry Variant Classification Scheme 2023. Collection method: clinical testing. Allele origin: germline.

PreventionGenetics, part of Exact Sciences
Classification: Likely benign for LTBP2-related condition. Last evaluated: 2024-02-14. Review status: no assertion criteria provided. Collection method: clinical testing. Allele origin: germline. Not counted in ClinVar's aggregate classification.
Comment: This variant is classified as likely benign based on ACMG/AMP sequence variant interpretation guidelines (Richards et al. 2015 PMID: 25741868, with internal and published modifications).